The following is an entry in ClinVar:

NM_024675.4(PALB2):c.1150G>C (p.Glu384Gln)

Gene: PALB2 (partner and localizer of BRCA2; minus strand). Cytogenetic location: 16p12.2.
Variant type: single nucleotide variant.
Coding change: c.1150G>C on transcript NM_024675.4 (MANE Select); coding-DNA position 1150, G replaced by C.
Protein change: p.Glu384Gln; replaces glutamic acid 384 with glutamine.
Molecular consequence: missense variant.
Genome position (GRCh38, 1-based): chr16:23,635,396, C>G on the plus strand (G>C on the coding strand, the complement: PALB2 is on the minus strand). VCF-style: chr16-23635396-C-G. GRCh37 (hg19) VCF-style: chr16-23646717-C-G.
Other names: short protein forms E384Q.
Identifiers: ClinVar variation 937358 (VCV000937358.11), dbSNP rs1567221497, ClinGen allele CA395133549.

ClinVar aggregate classification (germline): Uncertain significance. Review status: criteria provided, multiple submitters, no conflicts (2 of 4 stars). 2 submissions from 2 submitters: Uncertain significance (2). Last evaluated 2024-11-23.

Conditions:
Hereditary cancer-predisposing syndrome. Also called: Tumor predisposition; Hereditary neoplastic syndrome; Hereditary Cancer Syndrome; Neoplastic Syndromes, Hereditary. Identifiers: Orphanet 140162, MedGen C0027672, MeSH D009386, MONDO:0015356.
Familial cancer of breast. Also called: BREAST CANCER, FAMILIAL; Hereditary breast cancer; hereditary breast carcinoma. Identifiers: Orphanet 227535, MedGen C0346153, MONDO:0016419, OMIM 114480. Disease mechanism: loss of function.

Submissions (2):

Ambry Genetics
Classification: Uncertain significance for Hereditary cancer-predisposing syndrome. Last evaluated: 2024-11-23. Review status: criteria provided, single submitter. Criteria: Ambry Variant Classification Scheme 2023. Collection method: clinical testing. Allele origin: germline.
Comment: The p.E384Q variant (also known as c.1150G>C), located in coding exon 4 of the PALB2 gene, results from a G to C substitution at nucleotide position 1150. The glutamic acid at codon 384 is replaced by glutamine, an amino acid with highly similar properties. This amino acid position is conserved. In addition, this alteration is predicted to be tolerated by in silico analysis. Based on the available evidence, the clinical significance of this variant remains unclear.

Labcorp Genetics (formerly Invitae), Labcorp
Classification: Uncertain significance for Familial cancer of breast. Last evaluated: 2019-07-23. Review status: criteria provided, single submitter. Criteria: Invitae Variant Classification Sherloc (09022015). Collection method: clinical testing. Allele origin: germline.
Comment: In summary, the available evidence is currently insufficient to determine the role of this variant in disease. Therefore, it has been classified as a Variant of Uncertain Significance. Algorithms developed to predict the effect of missense changes on protein structure and function (SIFT, PolyPhen-2, Align-GVGD) all suggest that this variant is likely to be tolerated, but these predictions have not been confirmed by published functional studies and their clinical significance is uncertain. This variant has not been reported in the literature in individuals with PALB2-related conditions. This variant is not present in population databases (ExAC no frequency). This sequence change replaces glutamic acid with glutamine at codon 384 of the PALB2 protein (p.Glu384Gln). The glutamic acid residue is weakly conserved and there is a small physicochemical difference between glutamic acid and glutamine.